The following is an entry in ClinVar:

NM_003995.4(NPR2):c.2226T>A (p.Asn742Lys)

Gene: NPR2 (natriuretic peptide receptor 2; plus strand). Cytogenetic location: 9p13.3.
Variant type: single nucleotide variant.
Coding change: c.2226T>A on transcript NM_003995.4 (MANE Select); coding-DNA position 2226, T replaced by A.
Protein change: p.Asn742Lys; replaces asparagine 742 with lysine.
Molecular consequence: missense variant.
Genome position (GRCh38, 1-based): chr9:35,806,087, T>A. VCF-style: chr9-35806087-T-A. GRCh37 (hg19) VCF-style: chr9-35806084-T-A.
Other names: c.2235T>A, p.Asn745Lys (NM_001378923.1); short protein forms N745K, N742K.
Identifiers: ClinVar variation 2953119 (VCV002953119.3), dbSNP rs2491061947, ClinGen allele CA373378759.

ClinVar aggregate classification (germline): Uncertain significance (1 of 4 stars; one submission).

Conditions:
Acromesomelic dysplasia 1, Maroteaux type (AMD1). Also called: ST. HELENA DYSPLASIA; ACROMESOMELIC DYSPLASIA 1. Identifiers: Orphanet 40, MedGen C1864356, MONDO:0011275, OMIM 602875.
Tall stature-scoliosis-macrodactyly of the great toes syndrome. Also called: Epiphyseal chondrodysplasia, miura type. Identifiers: Orphanet 329191, MedGen C4014690, MONDO:0014401, OMIM 615923.

Submission:

Labcorp Genetics (formerly Invitae), Labcorp
Classification: Uncertain significance for Tall stature-scoliosis-macrodactyly of the great toes syndrome; Acromesomelic dysplasia 1, Maroteaux type. Last evaluated: 2024-12-02. Review status: criteria provided, single submitter. Criteria: Invitae Variant Classification Sherloc (09022015). Collection method: clinical testing. Allele origin: germline.
Comment: This sequence change replaces asparagine, which is neutral and polar, with lysine, which is basic and polar, at codon 742 of the NPR2 protein (p.Asn742Lys). This variant is not present in population databases (gnomAD no frequency). This variant has not been reported in the literature in individuals affected with NPR2-related conditions. ClinVar contains an entry for this variant (Variation ID: 2953119). Invitae Evidence Modeling of protein sequence and biophysical properties (such as structural, functional, and spatial information, amino acid conservation, physicochemical variation, residue mobility, and thermodynamic stability) indicates that this missense variant is not expected to disrupt NPR2 protein function with a negative predictive value of 80%. In summary, the available evidence is currently insufficient to determine the role of this variant in disease. Therefore, it has been classified as a Variant of Uncertain Significance.